The following is an entry in ClinVar:

NM_177559.3(CSNK2A1):c.298A>T (p.Ile100Phe)

Gene: CSNK2A1 (casein kinase 2 alpha 1; minus strand). Cytogenetic location: 20p13.
Variant type: single nucleotide variant.
Coding change: c.298A>T on transcript NM_177559.3 (MANE Select); coding-DNA position 298, A replaced by T.
Protein change: p.Ile100Phe; replaces isoleucine 100 with phenylalanine.
Molecular consequence: missense variant. On other transcripts: 5 prime UTR variant (1).
Genome position (GRCh38, 1-based): chr20:499,850, T>A on the plus strand (A>T on the coding strand, the complement: CSNK2A1 is on the minus strand). VCF-style: chr20-499850-T-A. GRCh37 (hg19) VCF-style: chr20-480494-T-A.
Other names: c.298A>T, p.Ile100Phe (NM_001362770.2, NM_001362771.2, NM_001895.4); c.-111A>T (NM_177560.3); short protein forms I100F.
Identifiers: ClinVar variation 2504365 (VCV002504365.1), dbSNP rs2514662437, ClinGen allele CA407936938.

ClinVar aggregate classification (germline): Uncertain significance (1 of 4 stars; one submission).

Submission:

GeneDx
Classification: Uncertain significance. Last evaluated: 2022-12-02. Review status: criteria provided, single submitter. Criteria: GeneDx Variant Classification Process June 2021. Collection method: clinical testing. Allele origin: germline. Affected: yes.
Comment: Not observed at significant frequency in large population cohorts (gnomAD); In silico analysis supports that this missense variant has a deleterious effect on protein structure/function; Has not been previously published as pathogenic or benign to our knowledge